The following is an entry in ClinVar:

NM_003361.4(UMOD):c.554G>A (p.Arg185His)

Gene: UMOD (uromodulin; minus strand). Cytogenetic location: 16p12.3.
Variant type: single nucleotide variant.
Coding change: c.554G>A on transcript NM_003361.4 (MANE Select); coding-DNA position 554, G replaced by A.
Protein change: p.Arg185His; replaces arginine 185 with histidine.
Molecular consequence: missense variant. On other transcripts: non-coding transcript variant (1).
Genome position (GRCh38, 1-based): chr16:20,348,747, C>T on the plus strand (G>A on the coding strand, the complement: UMOD is on the minus strand). VCF-style: chr16-20348747-C-T. GRCh37 (hg19) VCF-style: chr16-20360069-C-T.
Other names: c.554G>A, p.Arg185His (NM_001008389.3, NM_001378232.1, NM_001378233.1 and 3 more transcripts); c.653G>A, p.Arg218His (NM_001278614.2); short protein forms R185H, R218H.
Identifiers: ClinVar variation 2736326 (VCV002736326.3), dbSNP rs2507388032, ClinGen allele CA394985490.

ClinVar aggregate classification (germline): Pathogenic (1 of 4 stars; one submission).

Submission:

Labcorp Genetics (formerly Invitae), Labcorp
Classification: Pathogenic. Last evaluated: 2025-06-12. Review status: criteria provided, single submitter. Criteria: Invitae Variant Classification Sherloc (09022015). Collection method: clinical testing. Allele origin: germline.
Comment: This sequence change replaces arginine, which is basic and polar, with histidine, which is basic and polar, at codon 185 of the UMOD protein (p.Arg185His). This variant is not present in population databases (gnomAD no frequency). This missense change has been observed in individuals with UMOD-related conditions (PMID: 21868615, 32450155). It has also been observed to segregate with disease in related individuals. ClinVar contains an entry for this variant (Variation ID: 2736326). Invitae Evidence Modeling of protein sequence and biophysical properties (such as structural, functional, and spatial information, amino acid conservation, physicochemical variation, residue mobility, and thermodynamic stability) indicates that this missense variant is expected to disrupt UMOD protein function with a positive predictive value of 80%. This variant disrupts the p.Arg185 amino acid residue in UMOD. Other variant(s) that disrupt this residue have been observed in individuals with UMOD-related conditions (PMID: 21868615, 32450155), which suggests that this may be a clinically significant amino acid residue. For these reasons, this variant has been classified as Pathogenic.

Literature cited by the submitters: PubMed 21868615; PubMed 32450155.